The following is an entry in ClinVar:

ClinVar aggregate classification (germline): Uncertain significance (1 of 4 stars; one submission).

Conditions:
Cardiovascular phenotype. Identifiers: MedGen CN230736.

Submission:

Ambry Genetics
Classification: Uncertain significance for Cardiovascular phenotype. Last evaluated: 2025-03-03. Review status: criteria provided, single submitter. Criteria: Ambry Variant Classification Scheme 2023. Collection method: clinical testing. Allele origin: germline.
Comment: The p.R205P variant (also known as c.614G>C), located in coding exon 1 of the FKRP gene, results from a G to C substitution at nucleotide position 614. The arginine at codon 205 is replaced by proline, an amino acid with dissimilar properties. This amino acid position is conserved. In addition, this alteration is predicted to be deleterious by in silico analysis. Based on the available evidence, the clinical significance of this variant remains unclear.

NM_024301.5(FKRP):c.614G>C (p.Arg205Pro)

Gene: FKRP (fukutin related protein; plus strand). Cytogenetic location: 19q13.32.
Variant type: single nucleotide variant.
Coding change: c.614G>C on transcript NM_024301.5 (MANE Select); coding-DNA position 614, G replaced by C.
Protein change: p.Arg205Pro; replaces arginine 205 with proline.
Molecular consequence: missense variant.
Genome position (GRCh38, 1-based): chr19:46,756,064, G>C. VCF-style: chr19-46756064-G-C. GRCh37 (hg19) VCF-style: chr19-47259321-G-C.
Other names: c.614G>C, p.Arg205Pro (NM_001039885.3); short protein forms R205P.
Identifiers: ClinVar variation 3850533 (VCV003850533.1).
Genomic context (GRCh38, chr19:46,756,064, plus strand): 5'-CCCCCGCCGCGCCCCGCTGCGACGCCCTGGACGGAGATGCTGTGGTGCTCCTGCGCGCCC[G>C]CGACCTCTTCAACCTCTCGGCGCCCCTGGCCCGGCCGGTGGGCACCAGCCTCTTTCTGCA-3'
Protein context (NP_077277.1, residues 195-215): DGDAVVLLRA[Arg205Pro]DLFNLSAPLA